The following is an entry in ClinVar:

NM_000052.7(ATP7A):c.2287A>G (p.Ile763Val)

Gene: ATP7A (ATPase copper transporting alpha; plus strand). Cytogenetic location: Xq21.1.
Variant type: single nucleotide variant.
Coding change: c.2287A>G on transcript NM_000052.7 (MANE Select); coding-DNA position 2287, A replaced by G.
Protein change: p.Ile763Val; replaces isoleucine 763 with valine.
Molecular consequence: missense variant. On other transcripts: intron variant (1).
Genome position (GRCh38, 1-based): chrX:78,012,993, A>G. VCF-style: chrX-78012993-A-G. GRCh37 (hg19) VCF-style: chrX-77268490-A-G.
Other names: c.2172+1319A>G (NM_001282224.2); short protein forms I763V.
Identifiers: ClinVar variation 1693015 (VCV001693015.7), dbSNP rs2077837721, ClinGen allele CA413599064.

ClinVar aggregate classification (germline): Conflicting classifications of pathogenicity. Review status: criteria provided, conflicting classifications (1 of 4 stars). 3 submissions from 3 submitters: Uncertain significance (2); Likely benign (1). Last evaluated 2023-09-22.

Conditions:
Inborn genetic diseases. Identifiers: MedGen C0950123, MeSH D030342.
Menkes kinky-hair syndrome (MNK). Also called: Copper transport disease; Classic Menkes Disease; Menkes Disease. Identifiers: Orphanet 565, MedGen C0022716, MONDO:0010651, OMIM 309400.
Cutis laxa, X-linked (OHS). Also called: EDS IX; Occipital horn syndrome. Identifiers: Orphanet 198, MedGen C0268353, MONDO:0010572, OMIM 304150.
X-linked distal spinal muscular atrophy type 3. Also called: SPINAL MUSCULAR ATROPHY, DISTAL, X-LINKED RECESSIVE; ATP7A-Related Distal Motor Neuropathy; NEURONOPATHY, DISTAL HEREDITARY MOTOR, X-LINKED; NEUROPATHY, DISTAL HEREDITARY MOTOR, X-LINKED. Identifiers: Orphanet 139557, MedGen C1845359, MONDO:0010338, OMIM 300489.

Allele frequency attached by ClinVar (database versions not stated): gnomAD exomes below 0.00001; TOPMed below 0.00001; gnomAD 0.00001.
gnomAD v4.1: 2 of 1,208,883 alleles (0.00017%); highest among the groups gnomAD compares: Non-Finnish European, 0.00022%; no homozygotes.

Submissions (3):

Labcorp Genetics (formerly Invitae), Labcorp
Classification: Uncertain significance for X-linked distal spinal muscular atrophy type 3; Cutis laxa, X-linked; Menkes kinky-hair syndrome. Last evaluated: 2023-09-22. Review status: criteria provided, single submitter. Criteria: Invitae Variant Classification Sherloc (09022015). Collection method: clinical testing. Allele origin: germline.
Comment: This variant is not present in population databases (gnomAD no frequency). This sequence change replaces isoleucine, which is neutral and non-polar, with valine, which is neutral and non-polar, at codon 763 of the ATP7A protein (p.Ile763Val). This variant has not been reported in the literature in individuals affected with ATP7A-related conditions. ClinVar contains an entry for this variant (Variation ID: 1693015). Advanced modeling of protein sequence and biophysical properties (such as structural, functional, and spatial information, amino acid conservation, physicochemical variation, residue mobility, and thermodynamic stability) performed at Invitae indicates that this missense variant is not expected to disrupt ATP7A protein function. In summary, the available evidence is currently insufficient to determine the role of this variant in disease. Therefore, it has been classified as a Variant of Uncertain Significance.

Ambry Genetics
Classification: Likely benign for Inborn genetic diseases. Last evaluated: 2023-03-06. Review status: criteria provided, single submitter. Criteria: Ambry Variant Classification Scheme 2023. Collection method: clinical testing. Allele origin: germline.

GeneDx
Classification: Uncertain significance. Last evaluated: 2022-06-20. Review status: criteria provided, single submitter. Criteria: GeneDx Variant Classification Process June 2021. Collection method: clinical testing. Allele origin: germline. Affected: yes.
Comment: Not observed at significant frequency in large population cohorts (gnomAD); In silico analysis supports that this missense variant does not alter protein structure/function; Has not been previously published as pathogenic or benign to our knowledge